The following is an entry in ClinVar:

ClinVar aggregate classification (germline): Pathogenic/Likely pathogenic. Review status: criteria provided, multiple submitters, no conflicts (2 of 4 stars). 2 submissions from 2 submitters: Pathogenic (1); Likely pathogenic (1). Last evaluated 2025-06-22.

Conditions:
Ataxia-telangiectasia syndrome (AT). Also called: Cerebello-oculocutaneous telangiectasia; Immunodeficiency with ataxia telangiectasia; Ataxia-telangiectasia, complementation group D; AT, COMPLEMENTATION GROUP C; Ataxia-telangiectasia; Ataxia-telangiectasia, complementation group E. Identifiers: Orphanet 100, MedGen C0004135, MONDO:0008840, OMIM 208900.
Familial cancer of breast. Also called: Hereditary breast cancer; BREAST CANCER, FAMILIAL; hereditary breast carcinoma. Identifiers: Orphanet 227535, MedGen C0346153, MONDO:0016419, OMIM 114480. Disease mechanism: loss of function.

Submissions (2):

Labcorp Genetics (formerly Invitae), Labcorp
Classification: Pathogenic for Ataxia-telangiectasia syndrome. Last evaluated: 2025-06-22. Review status: criteria provided, single submitter. Criteria: Invitae Variant Classification Sherloc (09022015). Collection method: clinical testing. Allele origin: germline.
Comment: This sequence change creates a premature translational stop signal (p.Arg329Lysfs*8) in the ATM gene. It is expected to result in an absent or disrupted protein product. Loss-of-function variants in ATM are known to be pathogenic (PMID: 23807571, 25614872). This variant is not present in population databases (gnomAD no frequency). This variant has not been reported in the literature in individuals affected with ATM-related conditions. ClinVar contains an entry for this variant (Variation ID: 3598927). Algorithms developed to predict the effect of sequence changes on RNA splicing suggest that this variant may disrupt the consensus splice site. For these reasons, this variant has been classified as Pathogenic.

Fulgent Genetics
Classification: Likely pathogenic for Familial cancer of breast; Ataxia-telangiectasia syndrome. Last evaluated: 2023-12-29. Review status: criteria provided, single submitter. Criteria: ACMG Guidelines, 2015. Collection method: clinical testing. Allele origin: germline.

Literature cited by the submitters: PubMed 23807571 (cited by Labcorp Genetics (formerly Invitae), Labcorp); PubMed 25614872 (cited by Labcorp Genetics (formerly Invitae), Labcorp).

NM_000051.4(ATM):c.986_990del (p.Arg329fs)

Gene: ATM (ATM serine/threonine kinase; plus strand). Cytogenetic location: 11q22.3.
Variant type: Deletion.
Coding change: c.986_990del on transcript NM_000051.4 (MANE Select); coding-DNA positions 986 to 990, 5 bases deleted (GAGGA; older notation c.986_990delGAGGA).
Protein change: p.Arg329fs; shifts the reading frame from arginine 329.
Molecular consequence: frameshift variant.
Genome position (GRCh38, 1-based): chr11:108,247,048-108,247,052, GAGGA deleted; deleting any 5 consecutive bases within chr11:108,247,047-108,247,052 gives the same sequence; the c. name uses the placement nearest the transcript's 3' end. VCF-style (leftmost placement, unchanged base first): chr11-108247046-TAGAGG-T. GRCh37 (hg19) VCF-style: chr11-108117773-TAGAGG-T.
Other names: c.986_990delGAGGA, p.Arg329Lysfs (NM_000051.3); c.986_990del, p.Arg329fs (NM_001351834.2); c.986_990del (NM_000051.3); short protein forms R329fs.
Identifiers: ClinVar variation 3598927 (VCV003598927.2).